The following is an entry in ClinVar:

ClinVar aggregate classification (germline): Conflicting classifications of pathogenicity. Review status: criteria provided, conflicting classifications (1 of 4 stars). 2 submissions from 2 submitters: Uncertain significance (1); Likely benign (1). Last evaluated 2024-08-12.

Conditions:
Nephronophthisis. Also called: Juvenile Nephronophthisis. Identifiers: Orphanet 655, MedGen C0687120, MONDO:0019005, HP:0000090.

Allele frequency attached by ClinVar (database versions not stated): gnomAD 0.00001; TOPMed 0.00001.
gnomAD v4.1: 2 of 1,586,480 alleles (0.00013%); highest among the groups gnomAD compares: African/African-American, 0.0027%; no homozygotes.

Submissions (2):

Labcorp Genetics (formerly Invitae), Labcorp
Classification: Uncertain significance for Nephronophthisis. Last evaluated: 2024-08-12. Review status: criteria provided, single submitter. Criteria: Invitae Variant Classification Sherloc (09022015). Collection method: clinical testing. Allele origin: germline.
Comment: This sequence change replaces leucine, which is neutral and non-polar, with phenylalanine, which is neutral and non-polar, at codon 30 of the IQCB1 protein (p.Leu30Phe). This variant is not present in population databases (gnomAD no frequency). This variant has not been reported in the literature in individuals affected with IQCB1-related conditions. ClinVar contains an entry for this variant (Variation ID: 1690793). Advanced modeling of protein sequence and biophysical properties (such as structural, functional, and spatial information, amino acid conservation, physicochemical variation, residue mobility, and thermodynamic stability) performed at Invitae indicates that this missense variant is not expected to disrupt IQCB1 protein function with a negative predictive value of 80%. In summary, the available evidence is currently insufficient to determine the role of this variant in disease. Therefore, it has been classified as a Variant of Uncertain Significance.

Laboratorio de Genetica e Diagnostico Molecular, Hospital Israelita Albert Einstein
Classification: Likely benign. Last evaluated: 2020-02-05. Review status: criteria provided, single submitter. Criteria: ACMG Guidelines, 2015. Collection method: clinical testing. Allele origin: germline. Affected: yes.
Comment: ACMG classification criteria: PM2, BP1, BP4

NM_001023570.4(IQCB1):c.90G>C (p.Leu30Phe)

Gene: IQCB1 (IQ motif containing B1; minus strand). Cytogenetic location: 3q13.33.
Variant type: single nucleotide variant.
Coding change: c.90G>C on transcript NM_001023570.4 (MANE Select); coding-DNA position 90, G replaced by C.
Protein change: p.Leu30Phe; replaces leucine 30 with phenylalanine.
Molecular consequence: missense variant. On other transcripts: non-coding transcript variant (1).
Genome position (GRCh38, 1-based): chr3:121,828,871, C>G on the plus strand (G>C on the coding strand, the complement: IQCB1 is on the minus strand). VCF-style: chr3-121828871-C-G. GRCh37 (hg19) VCF-style: chr3-121547718-C-G.
Other names: c.90G>C, p.Leu30Phe (NM_001023571.4, NM_001319107.2); short protein forms L30F.
Identifiers: ClinVar variation 1690793 (VCV001690793.7), dbSNP rs1246747991, ClinGen allele CA354114682.